The following is an entry in ClinVar:

NM_014855.3(AP5Z1):c.22A>C (p.Ser8Arg)

Genes: AP5Z1 (adaptor related protein complex 5 subunit zeta 1; plus strand), LOC129997861 (ATAC-STARR-seq lymphoblastoid active region 25565; plus strand). Cytogenetic location: 7p22.1.
Variant type: single nucleotide variant.
Coding change: c.22A>C on transcript NM_014855.3 (MANE Select); coding-DNA position 22, A replaced by C.
Protein change: p.Ser8Arg; replaces serine 8 with arginine.
Molecular consequence: missense variant. On other transcripts: 5 prime UTR variant (1), non-coding transcript variant (1).
Genome position (GRCh38, 1-based): chr7:4,775,737, A>C. VCF-style: chr7-4775737-A-C. GRCh37 (hg19) VCF-style: chr7-4815368-A-C.
Other names: c.-260A>C (NM_001364858.1); short protein forms S8R.
Identifiers: ClinVar variation 842736 (VCV000842736.10), dbSNP rs1583222163, ClinGen allele CA366671363.

ClinVar aggregate classification (germline): Uncertain significance (1 of 4 stars; one submission).

Conditions:
Hereditary spastic paraplegia 48. Also called: Spastic paraplegia 48; SPASTIC PARAPLEGIA 48, AUTOSOMAL RECESSIVE. Identifiers: Orphanet 306511, MedGen C3150901, MONDO:0013342, OMIM 613647.

Allele frequency attached by ClinVar (database versions not stated): gnomAD exomes below 0.00001; gnomAD 0.00001.

Submission:

Labcorp Genetics (formerly Invitae), Labcorp
Classification: Uncertain significance for Hereditary spastic paraplegia 48. Last evaluated: 2019-01-01. Review status: criteria provided, single submitter. Criteria: Invitae Variant Classification Sherloc (09022015). Collection method: clinical testing. Allele origin: germline.
Comment: This sequence change replaces serine with arginine at codon 8 of the AP5Z1 protein (p.Ser8Arg). The serine residue is moderately conserved and there is a moderate physicochemical difference between serine and arginine. In summary, the available evidence is currently insufficient to determine the role of this variant in disease. Therefore, it has been classified as a Variant of Uncertain Significance. Algorithms developed to predict the effect of missense changes on protein structure and function are either unavailable or do not agree on the potential impact of this missense change (SIFT: "Deleterious"; PolyPhen-2: "Benign"; Align-GVGD: "Class C0"). This variant has not been reported in the literature in individuals with AP5Z1-related conditions. This variant is not present in population databases (ExAC no frequency).